The following is an entry in ClinVar:

NM_182961.4(SYNE1):c.11199C>G (p.Thr3733=)

Gene: SYNE1 (spectrin repeat containing nuclear envelope protein 1; minus strand). Cytogenetic location: 6q25.2.
Variant type: single nucleotide variant.
Coding change: c.11199C>G on transcript NM_182961.4 (MANE Select); coding-DNA position 11199, C replaced by G.
Protein change: p.Thr3733=; no amino-acid change (threonine 3733 retained).
Molecular consequence: synonymous variant.
Genome position (GRCh38, 1-based): chr6:152,353,317, G>C on the plus strand (C>G on the coding strand, the complement: SYNE1 is on the minus strand). VCF-style: chr6-152353317-G-C. GRCh37 (hg19) VCF-style: chr6-152674452-G-C.
Other names: c.11154C>G, p.Thr3718= (NM_033071.5).
Identifiers: ClinVar variation 388587 (VCV000388587.1), dbSNP rs766003620, ClinGen allele CA4056756.

ClinVar aggregate classification (germline): Likely benign (1 of 4 stars; one submission).

Allele frequency attached by ClinVar (database versions not stated): gnomAD exomes below 0.00001 and 0.00002; gnomAD 0.00001; TOPMed 0.00001; ExAC 0.00002.
gnomAD v4.1: 8 of 1,613,978 alleles (0.0005%); highest among the groups gnomAD compares: East Asian, 0.018%; no homozygotes.

Submission:

GeneDx
Classification: Likely benign. Last evaluated: 2016-08-23. Review status: criteria provided, single submitter. Criteria: GeneDx Variant Classification (06012015). Collection method: clinical testing. Allele origin: germline. Affected: yes.
Comment: This variant is considered likely benign or benign based on one or more of the following criteria: it is a conservative change, it occurs at a poorly conserved position in the protein, it is predicted to be benign by multiple in silico algorithms, and/or has population frequency not consistent with disease.